The following is an entry in ClinVar:

ClinVar aggregate classification (germline): Uncertain significance (1 of 4 stars; one submission).

Conditions:
Cardiovascular phenotype. Identifiers: MedGen CN230736.

Submission:

Ambry Genetics
Classification: Uncertain significance for Cardiovascular phenotype. Last evaluated: 2026-08-31. Review status: criteria provided, single submitter. Criteria: Ambry Variant Classification Scheme 2023. Collection method: clinical testing. Allele origin: germline.
Comment: The p.Q473H variant (also known as c.1419G>C), located in coding exon 11 of the APOB gene, results from a G to C substitution at nucleotide position 1419. The glutamine at codon 473 is replaced by histidine, an amino acid with highly similar properties. This amino acid position is conserved. In addition, this alteration is predicted to be tolerated by in silico analysis. Based on the available evidence, the clinical significance of this variant remains unclear.

NM_000384.3(APOB):c.1419G>C (p.Gln473His)

Gene: APOB (apolipoprotein B; minus strand). Cytogenetic location: 2p24.1.
Variant type: single nucleotide variant.
Coding change: c.1419G>C on transcript NM_000384.3 (MANE Select); coding-DNA position 1419, G replaced by C.
Protein change: p.Gln473His; replaces glutamine 473 with histidine.
Molecular consequence: missense variant.
Genome position (GRCh38, 1-based): chr2:21,029,949, C>G on the plus strand (G>C on the coding strand, the complement: APOB is on the minus strand). VCF-style: chr2-21029949-C-G. GRCh37 (hg19) VCF-style: chr2-21252821-C-G.
Other names: short protein forms Q473H.
Identifiers: ClinVar variation 5027956 (VCV005027956.1).